The following is an entry in ClinVar:

ClinVar aggregate classification (germline): Conflicting classifications of pathogenicity. Review status: criteria provided, conflicting classifications (1 of 4 stars). 3 submissions from 3 submitters: Likely pathogenic (1); Uncertain significance (2). Last evaluated 2025-12-26.

Conditions:
Kleefstra syndrome 1 (KLEFS1). Identifiers: Orphanet 261494, MedGen C0795833, MONDO:0027407, OMIM 610253.

Allele frequency attached by ClinVar (database versions not stated): gnomAD exomes below 0.00001; gnomAD 0.00001.

Submissions (3):

Labcorp Genetics (formerly Invitae), Labcorp
Classification: Uncertain significance for Kleefstra syndrome 1. Last evaluated: 2025-12-26. Review status: criteria provided, single submitter. Criteria: Invitae Variant Classification Sherloc (09022015). Collection method: clinical testing. Allele origin: germline.
Comment: This sequence change replaces arginine, which is basic and polar, with histidine, which is basic and polar, at codon 204 of the EHMT1 protein (p.Arg204His). This variant is present in population databases (rs786205601, gnomAD 0.0009%). This variant has not been reported in the literature in individuals affected with EHMT1-related conditions. ClinVar contains an entry for this variant (Variation ID: 191241). Invitae Evidence Modeling of protein sequence and biophysical properties (such as structural, functional, and spatial information, amino acid conservation, physicochemical variation, residue mobility, and thermodynamic stability) indicates that this missense variant is not expected to disrupt EHMT1 protein function with a negative predictive value of 80%. In summary, the available evidence is currently insufficient to determine the role of this variant in disease. Therefore, it has been classified as a Variant of Uncertain Significance.

Genomic Medicine Center of Excellence, King Faisal Specialist Hospital and Research Centre
Classification: Likely pathogenic. Review status: criteria provided, single submitter. Criteria: ACMG Guidelines, 2015. Collection method: research. Allele origin: germline. Affected: yes.

Juno Genomics, Hangzhou Juno Genomics, Inc
Classification: Uncertain significance for Kleefstra syndrome 1. Review status: criteria provided, single submitter. Criteria: ACMG Guidelines, 2015. Collection method: clinical testing. Allele origin: germline.
Comment: Absent from controls (or at extremely low frequency if recessive) in Genome Aggregation Database.

NM_024757.5(EHMT1):c.611G>A (p.Arg204His)

Gene: EHMT1 (euchromatic histone lysine methyltransferase 1; plus strand). Cytogenetic location: 9q34.3.
Variant type: single nucleotide variant.
Coding change: c.611G>A on transcript NM_024757.5 (MANE Select); coding-DNA position 611, G replaced by A.
Protein change: p.Arg204His; replaces arginine 204 with histidine.
Molecular consequence: missense variant.
Genome position (GRCh38, 1-based): chr9:137,717,151, G>A. VCF-style: chr9-137717151-G-A. GRCh37 (hg19) VCF-style: chr9-140611603-G-A.
Other names: c.611G>A, p.Arg204His (NM_001145527.2, NM_001354263.2, NM_001354611.2); c.518G>A, p.Arg173His (NM_001354259.2, NM_001354612.2); short protein forms R204H, R173H.
Identifiers: ClinVar variation 191241 (VCV000191241.8), dbSNP rs786205601, ClinGen allele CA236336.